The following is an entry in ClinVar:

ClinVar aggregate classification (germline): Benign. Review status: reviewed by expert panel (3 of 4 stars). 11 submissions from 11 submitters: Benign (1). 10 of the submissions do not count toward it. Last evaluated 2015-08-10.

Conditions:
Breast-ovarian cancer, familial, susceptibility to, 1 (BROVCA1). Also called: BRCA1 Hereditary Breast and Ovarian Cancer; OVARIAN CANCER, SUSCEPTIBILITY TO. Identifiers: Orphanet 145, MedGen C2676676, MONDO:0011450, OMIM 604370. Disease mechanism: loss of function.
BRCA1-related disorder. Also called: BRCA1-related condition.
Hereditary cancer-predisposing syndrome. Also called: Hereditary Cancer Syndrome; Hereditary neoplastic syndrome; Neoplastic Syndromes, Hereditary; Tumor predisposition. Identifiers: Orphanet 140162, MedGen C0027672, MeSH D009386, MONDO:0015356.
Hereditary breast ovarian cancer syndrome. Also called: BRCA1- and BRCA2-Associated Hereditary Breast and Ovarian Cancer; Hereditary breast and ovarian cancer syndrome; Hereditary breast and ovarian cancer syndrome (HBOC); Breast and ovarian cancer; Hereditary breast and/or ovarian cancer syndrome; Hereditary breast and ovarian cancer. Identifiers: Orphanet 145, MedGen C0677776, MeSH D061325, MONDO:0003582. Disease mechanism: loss of function.

Allele frequency attached by ClinVar (database versions not stated): gnomAD exomes below 0.00001; gnomAD 0.00001; TOPMed 0.00003.
gnomAD v4.1: 6 of 1,614,066 alleles (0.00037%); highest among the groups gnomAD compares: Non-Finnish European, 0.00042%; no homozygotes.

Submissions (11):

Evidence-based Network for the Interpretation of Germline Mutant Alleles (ENIGMA)
Classification: Benign for Breast-ovarian cancer, familial 1. Last evaluated: 2015-08-10. Review status: reviewed by expert panel. Criteria: ENIGMA BRCA1/2 Classification Criteria (2015). Collection method: curation. Allele origin: germline.
Comment: IARC class based on posterior probability from multifactorial likelihood analysis, thresholds for class as per Plon et al. 2008 (PMID: 18951446). Class 1 based on posterior probability = 0.00000113

Labcorp Genetics (formerly Invitae), Labcorp
Classification: Benign for Hereditary breast ovarian cancer syndrome. Last evaluated: 2025-12-31. Review status: criteria provided, single submitter. Criteria: Invitae Variant Classification Sherloc (09022015). Collection method: clinical testing. Allele origin: germline. Not counted in ClinVar's aggregate classification.

All of Us Research Program, National Institutes of Health
Classification: Benign for Breast-ovarian cancer, familial, susceptibility to, 1. Last evaluated: 2023-12-07. Review status: criteria provided, single submitter. Criteria: ACMG Guidelines, 2015. Collection method: clinical testing. Allele origin: germline. Inheritance: Autosomal dominant inheritance. Observed: 6 variant alleles, 6 heterozygotes. Not counted in ClinVar's aggregate classification.
Comment: This study involves interpretation of variants in research participants for the purpose of population health screening. Participant phenotype was not available at the time of variant classification. Additional details can be found in publication PMID: 35346344, PMCID: PMC8962531

Quest Diagnostics Nichols Institute San Juan Capistrano
Classification: Likely benign. Last evaluated: 2023-09-05. Review status: criteria provided, single submitter. Criteria: Quest Diagnostics criteria. Collection method: clinical testing. Allele origin: unknown. Not counted in ClinVar's aggregate classification.

GeneDx
Classification: Likely benign. Last evaluated: 2021-04-25. Review status: criteria provided, single submitter. Criteria: GeneDx Variant Classification Process June 2021. Collection method: clinical testing. Allele origin: germline. Affected: yes. Not counted in ClinVar's aggregate classification.
Comment: Not observed in large population cohorts (Lek et al., 2016); In silico analysis, which includes protein predictors and evolutionary conservation, supports that this variant does not alter protein structure/function; This variant is associated with the following publications: (PMID: 22753008, 21990134, 17924331, 20104584, 16267036)

Women's Health and Genetics/Laboratory Corporation of America, LabCorp
Classification: Benign. Last evaluated: 2019-11-08. Review status: criteria provided, single submitter. Criteria: LabCorp Variant Classification Summary - May 2015. Collection method: clinical testing. Allele origin: germline. Not counted in ClinVar's aggregate classification.
Comment: Variant summary: BRCA1 c.3797G>C (p.Ser1266Thr) results in a conservative amino acid change in the encoded protein sequence. Four of five in-silico tools predict a benign effect of the variant on protein function. The variant was absent in 251170 control chromosomes (gnomAD). The available data on variant occurrences in the general population are insufficient to allow any conclusion about variant significance. However, this variant has been reported in 2/7325 European American women who were older than age 70 and cancer free (in the FLOSSIES database). c.3797G>C has been reported in the literature in individuals affected with Hereditary Breast and Ovarian Cancer (Judkins_2005, Borg_2010, Capanu_2011). These reports do not provide unequivocal conclusions about association of the variant with Hereditary Breast and Ovarian Cancer. Co-occurrences with other pathogenic variants have been reported (BRCA2 c.9976A>T (p.Lys3326X) and BRCA2 c.5410_5411delGT (p.Val1804Lysfs) in the BIC database), providing supporting evidence for a benign role. In addition, multifactorial probability models, performing systematic assessments of variants of unknown significance in the BRCA genes, which included analysis of co-occurrence in trans with known deleterious mutations, personal and family history of cancer, tumor pathology and co-segregation with disease in pedigrees, predicted this variant to be neutral (Easton 2007 and Lindor 2012). To our knowledge, no experimental evidence demonstrating an impact on protein function has been reported. Five ClinVar submitters (evaluation after 2014) cite the variant as likely benign (2x) and benign (3x), including one expert panel (ENIGMA, benign). Based on the evidence outlined above, the variant was classified as benign.

Color Diagnostics, LLC DBA Color Health
Classification: Benign for Hereditary cancer-predisposing syndrome. Last evaluated: 2016-04-28. Review status: criteria provided, single submitter. Criteria: ACMG Guidelines, 2015. Collection method: clinical testing. Allele origin: germline. Not counted in ClinVar's aggregate classification.

Ambry Genetics
Classification: Benign for Hereditary cancer-predisposing syndrome. Last evaluated: 2014-11-18. Review status: criteria provided, single submitter. Criteria: Ambry Variant Classification Scheme 2023. Collection method: clinical testing. Allele origin: germline. Not counted in ClinVar's aggregate classification.

PreventionGenetics, part of Exact Sciences
Classification: Likely benign for BRCA1-related condition. Last evaluated: 2019-06-03. Review status: no assertion criteria provided. Collection method: clinical testing. Allele origin: germline. Not counted in ClinVar's aggregate classification.
Comment: This variant is classified as likely benign based on ACMG/AMP sequence variant interpretation guidelines (Richards et al. 2015 PMID: 25741868, with internal and published modifications).

Counsyl
Classification: Benign for Breast-ovarian cancer, familial 1. Last evaluated: 2015-01-14. Review status: no assertion criteria provided. Collection method: literature only. Allele origin: unknown. Inheritance: Autosomal dominant inheritance. Not counted in ClinVar's aggregate classification.

Breast Cancer Information Core (BIC) (BRCA1)
Classification: Uncertain significance for Breast-ovarian cancer, familial 1. Last evaluated: 2002-05-29. Review status: no assertion criteria provided. Collection method: clinical testing. Allele origin: germline. Affected: yes. Observed: 4 variant alleles. Not counted in ClinVar's aggregate classification.

Literature cited by the submitters: PubMed 21990134 (cited by 4 submitters); PubMed 22753008 (cited by Quest Diagnostics Nichols Institute San Juan Capistrano and Women's Health and Genetics/Laboratory Corporation of America, LabCorp); PubMed 16267036 (cited by 3 submitters); PubMed 20104584 (cited by 3 submitters); PubMed 17924331 (cited by 3 submitters); PubMed 29580235 (cited by Quest Diagnostics Nichols Institute San Juan Capistrano and Women's Health and Genetics/Laboratory Corporation of America, LabCorp); PubMed 21520273 (cited by Quest Diagnostics Nichols Institute San Juan Capistrano and Women's Health and Genetics/Laboratory Corporation of America, LabCorp); PubMed 15385441 (cited by Women's Health and Genetics/Laboratory Corporation of America, LabCorp).

NM_007294.4(BRCA1):c.3797G>C (p.Ser1266Thr)

Genes: BRCA1 (BRCA1 DNA repair associated; minus strand), LOC126862571 (BRD4-independent group 4 enhancer GRCh37_chr17:41243136-41244335; plus strand). Cytogenetic location: 17q21.31.
Variant type: single nucleotide variant.
Coding change: c.3797G>C on transcript NM_007294.4 (MANE Select); coding-DNA position 3797, G replaced by C.
Protein change: p.Ser1266Thr; replaces serine 1266 with threonine.
Molecular consequence: missense variant. On other transcripts: intron variant (135).
Genome position (GRCh38, 1-based): chr17:43,091,734, C>G on the plus strand (G>C on the coding strand, the complement: BRCA1 is on the minus strand). VCF-style: chr17-43091734-C-G. GRCh37 (hg19) VCF-style: chr17-41243751-C-G.
Other names: p.S1266T:AGC>ACC; 3916G>C; c.788-702G>C (NM_001407979.1, NM_001407977.1, NM_001407982.1 and 17 more transcripts); c.647-702G>C (NM_001408410.1, NM_001408458.1, NM_001408469.1 and 11 more transcripts); c.710-702G>C (NM_001408415.1, NM_001408412.1, NM_001408409.1 and 2 more transcripts); c.578-702G>C (NM_001408483.1, NM_001408481.1, NM_001408480.1 and 9 more transcripts); c.665-702G>C (NM_001408442.1, NM_001408426.1, NM_001408436.1 and 12 more transcripts); c.3584G>C, p.Ser1195Thr (NM_001407571.1, NM_001407853.1, NM_001407894.1 and 9 more transcripts); and 43 more; short protein forms S1266T, S1219T, S1138T, S1178T, S1195T, S1196T, S1224T, S1263T.
Identifiers: ClinVar variation 55009 (VCV000055009.25), dbSNP rs80357160, ClinGen allele CA002445.
Genomic context (GRCh38, chr17:43,091,734, plus strand): 5'-CTAAGGTGATGTTCCTGAGATGCCTTTGCCAATATTACCTGGTTACTGCAGTCATTTAAG[C>G]TATTCTTCAATGATAATAAATTCTCCTCTGTGTTCTTAGACAGACACTCGGTAGCAACGG-3'
Protein context (NP_009225.1, residues 1256-1276): TEENLLSLKN[Ser1266Thr]LNDCSNQVIL